The following is an entry in ClinVar:

NM_001039660.2(IL18BP):c.262G>A (p.Ala88Thr)

Gene: IL18BP (interleukin 18 binding protein; plus strand). Cytogenetic location: 11q13.4.
Variant type: single nucleotide variant.
Coding change: c.262G>A on transcript NM_001039660.2 (MANE Select); coding-DNA position 262, G replaced by A.
Protein change: p.Ala88Thr; replaces alanine 88 with threonine.
Molecular consequence: missense variant. On other transcripts: intron variant (1).
Genome position (GRCh38, 1-based): chr11:72,001,227, G>A. VCF-style: chr11-72001227-G-A. GRCh37 (hg19) VCF-style: chr11-71712273-G-A.
Other names: c.262G>A, p.Ala88Thr (NM_001039659.2, NM_001145057.1, NM_005699.3 and 2 more transcripts); c.236-557G>A (NM_001145055.1); short protein forms A88T.
Identifiers: ClinVar variation 3632015 (VCV003632015.2).

ClinVar aggregate classification (germline): Uncertain significance (1 of 4 stars; one submission).

gnomAD v4.1: 5 of 1,614,064 alleles (0.00031%); highest among the groups gnomAD compares: African/African-American, 0.0053%; no homozygotes.

Submission:

Labcorp Genetics (formerly Invitae), Labcorp
Classification: Uncertain significance. Last evaluated: 2025-03-31. Review status: criteria provided, single submitter. Criteria: Invitae Variant Classification Sherloc (09022015). Collection method: clinical testing. Allele origin: germline.
Comment: This sequence change replaces alanine, which is neutral and non-polar, with threonine, which is neutral and polar, at codon 88 of the IL18BP protein (p.Ala88Thr). This variant is present in population databases (rs767458828, gnomAD 0.007%). This variant has not been reported in the literature in individuals affected with IL18BP-related conditions. An algorithm developed to predict the effect of missense changes on protein structure and function (PolyPhen-2) suggests that this variant is likely to be tolerated. In summary, the available evidence is currently insufficient to determine the role of this variant in disease. Therefore, it has been classified as a Variant of Uncertain Significance.